The following is an entry in ClinVar:

ClinVar aggregate classification (germline): Pathogenic (1 of 4 stars; one submission).

Conditions:
Fanconi anemia (FA). Also called: Fanconi's anemia. Identifiers: Orphanet 84, MedGen C0015625, MeSH D005199, MONDO:0019391.

Allele frequency attached by ClinVar (database versions not stated): gnomAD 0.00001.

Submission:

Labcorp Genetics (formerly Invitae), Labcorp
Classification: Pathogenic for Fanconi anemia. Last evaluated: 2020-10-11. Review status: criteria provided, single submitter. Criteria: Invitae Variant Classification Sherloc (09022015). Collection method: clinical testing. Allele origin: germline.
Comment: For these reasons, this variant has been classified as Pathogenic. Loss-of-function variants in FANCG are known to be pathogenic (PMID: 12552564). This variant has not been reported in the literature in individuals with FANCG-related conditions. This variant is not present in population databases (ExAC no frequency). This sequence change creates a premature translational stop signal (p.Gln406*) in the FANCG gene. It is expected to result in an absent or disrupted protein product.

Literature cited by the submitters: PubMed 12552564.

NM_004629.2(FANCG):c.1216C>T (p.Gln406Ter)

Gene: FANCG (FA complementation group G; minus strand). Cytogenetic location: 9p13.3.
Variant type: single nucleotide variant.
Coding change: c.1216C>T on transcript NM_004629.2 (MANE Select); coding-DNA position 1216, C replaced by T.
Protein change: p.Gln406Ter; replaces glutamine 406 with a stop codon.
Molecular consequence: nonsense.
Genome position (GRCh38, 1-based): chr9:35,075,682, G>A on the plus strand (C>T on the coding strand, the complement: FANCG is on the minus strand). VCF-style: chr9-35075682-G-A. GRCh37 (hg19) VCF-style: chr9-35075679-G-A.
Other names: short protein forms Q406*.
Identifiers: ClinVar variation 1075707 (VCV001075707.7), dbSNP rs748730134, ClinGen allele CA373308983.